The following is an entry in ClinVar:

ClinVar aggregate classification (germline): Uncertain significance. Review status: criteria provided, multiple submitters, no conflicts (2 of 4 stars). 3 submissions from 3 submitters: Uncertain significance (3). Last evaluated 2025-09-14.

Allele frequency attached by ClinVar (database versions not stated): gnomAD exomes 0.00001.

Submissions (3):

Labcorp Genetics (formerly Invitae), Labcorp
Classification: Uncertain significance. Last evaluated: 2025-09-14. Review status: criteria provided, single submitter. Criteria: Invitae Variant Classification Sherloc (09022015). Collection method: clinical testing. Allele origin: germline.
Comment: This sequence change creates a premature translational stop signal (p.Glu451*) in the IRF4 gene. While this is not anticipated to result in nonsense mediated decay, it is expected to disrupt the last 1 amino acid(s) of the IRF4 protein. This variant is not present in population databases (gnomAD no frequency). This variant has not been reported in the literature in individuals affected with IRF4-related conditions. ClinVar contains an entry for this variant (Variation ID: 2160794). Algorithms developed to predict the effect of sequence changes on RNA splicing suggest that this variant may disrupt the consensus splice site. In summary, the available evidence is currently insufficient to determine the role of this variant in disease. Therefore, it has been classified as a Variant of Uncertain Significance.

CeGaT Center for Human Genetics Tuebingen
Classification: Uncertain significance. Last evaluated: 2024-06-01. Review status: criteria provided, single submitter. Criteria: CeGaT Center For Human Genetics Tuebingen Variant Classification Criteria Version 2. Collection method: clinical testing. Allele origin: germline. Affected: yes. Observed: 1 variant allele.
Comment: IRF4: PM2

Institute for Clinical Genetics, University Hospital TU Dresden, University Hospital TU Dresden
Classification: Uncertain significance. Last evaluated: 2023-06-20. Review status: criteria provided, single submitter. Criteria: ACMG Guidelines, 2015. Collection method: clinical testing. Allele origin: germline.
Comment: PM2_SUP

NM_002460.4(IRF4):c.1351G>T (p.Glu451Ter)

Gene: IRF4 (interferon regulatory factor 4; plus strand). Cytogenetic location: 6p25.3.
Variant type: single nucleotide variant.
Coding change: c.1351G>T on transcript NM_002460.4 (MANE Select); coding-DNA position 1351, G replaced by T.
Protein change: p.Glu451Ter; replaces glutamic acid 451 with a stop codon.
Molecular consequence: nonsense. On other transcripts: non-coding transcript variant (1).
Genome position (GRCh38, 1-based): chr6:407,593, G>T. VCF-style: chr6-407593-G-T. GRCh37 (hg19) VCF-style: chr6-407593-G-T.
Other names: c.1348G>T, p.Glu450Ter (NM_001195286.2); short protein forms E451*, E450*.
Identifiers: ClinVar variation 2160794 (VCV002160794.23), dbSNP rs2480839996, ClinGen allele CA362551258.